The following is an entry in ClinVar:

NM_015665.6(AAAS):c.970T>C (p.Trp324Arg)

Gene: AAAS (aladin WD repeat nucleoporin; minus strand). Cytogenetic location: 12q13.13.
Variant type: single nucleotide variant.
Coding change: c.970T>C on transcript NM_015665.6 (MANE Select); coding-DNA position 970, T replaced by C.
Protein change: p.Trp324Arg; replaces tryptophan 324 with arginine.
Molecular consequence: missense variant.
Genome position (GRCh38, 1-based): chr12:53,308,986, A>G on the plus strand (T>C on the coding strand, the complement: AAAS is on the minus strand). VCF-style: chr12-53308986-A-G. GRCh37 (hg19) VCF-style: chr12-53702770-A-G.
Other names: c.871T>C, p.Trp291Arg (NM_001173466.2); short protein forms W291R, W324R.
Identifiers: ClinVar variation 4741425 (VCV004741425.1).

ClinVar aggregate classification (germline): Uncertain significance (1 of 4 stars; one submission).

Submission:

Labcorp Genetics (formerly Invitae), Labcorp
Classification: Uncertain significance. Last evaluated: 2025-04-09. Review status: criteria provided, single submitter. Criteria: Invitae Variant Classification Sherloc (09022015). Collection method: clinical testing. Allele origin: germline.
Comment: This sequence change replaces tryptophan, which is neutral and slightly polar, with arginine, which is basic and polar, at codon 324 of the AAAS protein (p.Trp324Arg). This variant is not present in population databases (gnomAD no frequency). This variant has not been reported in the literature in individuals affected with AAAS-related conditions. Invitae Evidence Modeling of protein sequence and biophysical properties (such as structural, functional, and spatial information, amino acid conservation, physicochemical variation, residue mobility, and thermodynamic stability) indicates that this missense variant is expected to disrupt AAAS protein function with a positive predictive value of 80%. In summary, the available evidence is currently insufficient to determine the role of this variant in disease. Therefore, it has been classified as a Variant of Uncertain Significance.